The following is an entry in ClinVar:

NM_145868.2(ANXA11):c.1159A>G (p.Ser387Gly)

Gene: ANXA11 (annexin A11; minus strand). Cytogenetic location: 10q22.3.
Variant type: single nucleotide variant.
Coding change: c.1159A>G on transcript NM_145868.2 (MANE Select); coding-DNA position 1159, A replaced by G.
Protein change: p.Ser387Gly; replaces serine 387 with glycine.
Molecular consequence: missense variant.
Genome position (GRCh38, 1-based): chr10:80,161,956, T>C on the plus strand (A>G on the coding strand, the complement: ANXA11 is on the minus strand). VCF-style: chr10-80161956-T-C. GRCh37 (hg19) VCF-style: chr10-81921712-T-C.
Other names: c.1159A>G, p.Ser387Gly (NM_001157.3, NM_001278407.2, NM_001278408.2 and 1 more transcripts); c.1060A>G, p.Ser354Gly (NM_001278409.2); short protein forms S387G, S354G.
Identifiers: ClinVar variation 4999944 (VCV004999944.1).

ClinVar aggregate classification (germline): Uncertain significance (1 of 4 stars; one submission).

Conditions:
ANXA11-related disorder. Also called: ANXA11-related condition.

Submission:

PreventionGenetics, part of Exact Sciences
Classification: Uncertain significance for ANXA11-related condition. Last evaluated: 2025-05-28. Review status: criteria provided, single submitter. Criteria: ACMG Guidelines, 2015. Collection method: clinical testing. Allele origin: germline.
Comment: The ANXA11 c.1159A>G variant is predicted to result in the amino acid substitution p.Ser387Gly. To our knowledge, this variant has not been reported in the literature or in a large population database (gnomAD), indicating this variant is rare. At this time, the clinical significance of this variant is uncertain due to the absence of conclusive functional and genetic evidence.